The following is an entry in ClinVar:

ClinVar aggregate classification (germline): Benign. Review status: criteria provided, multiple submitters, no conflicts (2 of 4 stars). 2 submissions from 2 submitters: Benign (2). Last evaluated 2018-01-13.

Conditions:
Acrodysostosis 2 with or without hormone resistance. Also called: ACRODYSOSTOSIS 2 WITH HORMONE RESISTANCE; ACRODYSOSTOSIS 2 WITHOUT HORMONE RESISTANCE. Identifiers: Orphanet 280651, MedGen C3553250, MONDO:0013822, OMIM 614613.

Allele frequency attached by ClinVar (database versions not stated): gnomAD 0.00076 and 0.00078; TOPMed 0.00083; 1000 Genomes Project 30x 0.00094; 1000 Genomes Project 0.00100.

Submissions (2):

Illumina Laboratory Services, Illumina
Classification: Benign for Acrodysostosis 2 with or without hormone resistance. Last evaluated: 2018-01-13. Review status: criteria provided, single submitter. Criteria: ICSL Variant Classification Criteria 13 December 2019. Collection method: clinical testing. Allele origin: germline.
Comment: This variant was observed in the ICSL laboratory as part of a predisposition screen in an ostensibly healthy population. It had not been previously curated by ICSL or reported in the Human Gene Mutation Database (HGMD: prior to June 1st, 2018), and was therefore a candidate for classification through an automated scoring system. Utilizing variant allele frequency, disease prevalence and penetrance estimates, and inheritance mode, an automated score was calculated to assess if this variant is too frequent to cause the disease. Based on the score and internal cut-off values, a variant classified as benign is not then subjected to further curation. The score for this variant resulted in a classification of benign for this disease.

Breakthrough Genomics
Classification: Benign. Review status: criteria provided, single submitter. Criteria: ACMG Guidelines, 2015. Collection method: not provided. Allele origin: germline. Inheritance: Autosomal dominant inheritance. Affected: yes.

NM_001104631.2(PDE4D):c.*3349T>A

Gene: PDE4D (phosphodiesterase 4D; minus strand). Cytogenetic location: 5q11.2.
Variant type: single nucleotide variant.
Coding change: c.*3349T>A on transcript NM_001104631.2 (MANE Select); 3349 bases downstream of the stop codon, T replaced by A.
Molecular consequence: 3 prime UTR variant.
Genome position (GRCh38, 1-based): chr5:58,971,315, A>T on the plus strand (T>A on the coding strand, the complement: PDE4D is on the minus strand). VCF-style: chr5-58971315-A-T. GRCh37 (hg19) VCF-style: chr5-58267142-A-T.
Other names: c.*3349T>A (NM_001165899.2, NM_001197218.2, NM_001197219.2 and 11 more transcripts).
Identifiers: ClinVar variation 353932 (VCV000353932.6), dbSNP rs72764043, ClinGen allele CA10620611.